The following is an entry in ClinVar:

ClinVar aggregate classification (germline): Uncertain significance (1 of 4 stars; one submission).

Submission:

Labcorp Genetics (formerly Invitae), Labcorp
Classification: Uncertain significance. Last evaluated: 2026-01-24. Review status: criteria provided, single submitter. Criteria: Invitae Variant Classification Sherloc (09022015). Collection method: clinical testing. Allele origin: germline.
Comment: This sequence change replaces aspartic acid, which is acidic and polar, with valine, which is neutral and non-polar, at codon 204 of the BCS1L protein (p.Asp204Val). This variant is not present in population databases (gnomAD no frequency). This variant has not been reported in the literature in individuals affected with BCS1L-related conditions. Invitae Evidence Modeling of protein sequence and biophysical properties (such as structural, functional, and spatial information, amino acid conservation, physicochemical variation, residue mobility, and thermodynamic stability) indicates that this missense variant is expected to disrupt BCS1L protein function with a positive predictive value of 95%. In summary, the available evidence is currently insufficient to determine the role of this variant in disease. Therefore, it has been classified as a Variant of Uncertain Significance.

NM_001079866.2(BCS1L):c.611A>T (p.Asp204Val)

Gene: BCS1L (BCS1 ubiquinol-cytochrome c reductase complex chaperone; plus strand). Cytogenetic location: 2q35.
Variant type: single nucleotide variant.
Coding change: c.611A>T on transcript NM_001079866.2 (MANE Select); coding-DNA position 611, A replaced by T.
Protein change: p.Asp204Val; replaces aspartic acid 204 with valine.
Molecular consequence: missense variant. On other transcripts: non-coding transcript variant (1).
Genome position (GRCh38, 1-based): chr2:218,661,909, A>T. VCF-style: chr2-218661909-A-T. GRCh37 (hg19) VCF-style: chr2-219526632-A-T.
Other names: c.611A>T, p.Asp204Val (NM_001257342.2, NM_001257343.2, NM_001257344.2 and 10 more transcripts); c.251A>T, p.Asp84Val (NM_001318836.2, NM_001371451.1); c.110A>T, p.Asp37Val (NM_001371452.1, NM_001371453.1, NM_001371454.1 and 3 more transcripts); short protein forms D37V, D204V, D84V.
Identifiers: ClinVar variation 4709788 (VCV004709788.1).
Genomic context (GRCh38, chr2:218,661,909, plus strand): 5'-GCCGGCGACCACTGAATTCTGTGGTTCTACAACAGGGTCTGGCTGACCGAATTGTCAGAG[A>T]CGTCCAGGAATTCATCGATAACCCCAAGTGGTACACTGACAGAGGTGAGAAGCAGCTGGG-3'
Protein context (NP_001073335.1, residues 194-214): QQGLADRIVR[Asp204Val]VQEFIDNPKW